The following is an entry in ClinVar:

ClinVar aggregate classification (germline): Likely pathogenic (1 of 4 stars; one submission).

Conditions:
Familial cancer of breast. Also called: BREAST CANCER, FAMILIAL; hereditary breast carcinoma; Hereditary breast cancer. Identifiers: Orphanet 227535, MedGen C0346153, MONDO:0016419, OMIM 114480. Disease mechanism: loss of function.

Submission:

Myriad Genetics, Inc.
Classification: Likely pathogenic for Familial cancer of breast. Last evaluated: 2023-06-06. Review status: criteria provided, single submitter. Criteria: Myriad Autosomal Dominant, Autosomal Recessive and X-Linked Classification Criteria (2023). Collection method: clinical testing. Allele origin: unknown.
Comment: This variant is considered likely pathogenic. This variant occurs within a consensus splice junction and is predicted to result in abnormal mRNA splicing of either an out-of-frame exon or an in-frame exon necessary for protein stability and/or normal function.

NM_032043.3(BRIP1):c.2257+2T>G

Gene: BRIP1 (BRCA1 interacting DNA helicase 1; minus strand). Cytogenetic location: 17q23.2.
Variant type: single nucleotide variant.
Coding change: c.2257+2T>G on transcript NM_032043.3 (MANE Select); the canonical splice donor site of the intron after coding-DNA position 2257, T replaced by G.
Molecular consequence: splice donor variant.
Genome position (GRCh38, 1-based): chr17:61,744,430, A>C on the plus strand (T>G on the coding strand, the complement: BRIP1 is on the minus strand). VCF-style: chr17-61744430-A-C. GRCh37 (hg19) VCF-style: chr17-59821791-A-C.
Identifiers: ClinVar variation 2584026 (VCV002584026.2), dbSNP rs2144694677, ClinGen allele CA400482794.